The following is an entry in ClinVar:

NC_000013.11:g.(?_32330913)_(32331036_?)del

Gene: BRCA2 (BRCA2 DNA repair associated; plus strand). Cytogenetic location: 13q13.1.
Variant type: Deletion.
Identifiers: ClinVar variation 462162 (VCV000462162.9).

ClinVar aggregate classification (germline): Pathogenic (1 of 4 stars; one submission).

Conditions:
Hereditary breast ovarian cancer syndrome. Also called: Hereditary breast and ovarian cancer syndrome (HBOC); Hereditary breast and ovarian cancer syndrome; Breast and ovarian cancer; Hereditary breast and/or ovarian cancer syndrome; Hereditary breast and ovarian cancer; BRCA1- and BRCA2-Associated Hereditary Breast and Ovarian Cancer. Identifiers: Orphanet 145, MedGen C0677776, MeSH D061325, MONDO:0003582. Disease mechanism: loss of function.

Submission:

Labcorp Genetics (formerly Invitae), Labcorp
Classification: Pathogenic for Hereditary breast ovarian cancer syndrome. Last evaluated: 2020-06-29. Review status: criteria provided, single submitter. Criteria: Invitae Variant Classification Sherloc (09022015). Collection method: clinical testing. Allele origin: germline.
Comment: This variant is an out-of-frame deletion of the genomic region encompassing exon 9 of the BRCA2 gene. This creates a premature translational stop signal and is expected to result in an absent or disrupted protein product. Similar deletions of exon 9 have not been reported in the literature in individuals with BRCA2-related disease. Loss-of-function variants in BRCA2 are known to be pathogenic (PMID: 20104584). For these reasons, this variant has been classified as Pathogenic.

Literature cited by the submitters: PubMed 20104584.